The following is an entry in ClinVar:

ClinVar aggregate classification (germline): Uncertain significance (1 of 4 stars; one submission).

Conditions:
Intellectual developmental disorder, autosomal dominant 52. Also called: Intellectual disability, autosomal dominant 52; Mental retardation, autosomal dominant 52. Identifiers: MedGen C4540478, MONDO:0030918, OMIM 617796.

Submission:

Dasa
Classification: Uncertain significance for Intellectual developmental disorder, autosomal dominant 52. Last evaluated: 2025-08-14. Review status: criteria provided, single submitter. Criteria: DASA Assertion Criteria. Collection method: clinical testing. Allele origin: germline.
Comment: NM_018489.3(ASH1L):c.5726A>C (p.Glu1909Ala) is a missense variant that results in the substitution of glutamic acid with alanine. This variant is absent from population databases. Computational prediction algorithms are consistent with a benign effect. The currently available literature and clinical evidence are not sufficient to establish a definitive association between this variant and the reported condition. Therefore, this variant is classified as a variant of uncertain significance.

NM_018489.3(ASH1L):c.5726A>C (p.Glu1909Ala)

Gene: ASH1L (ASH1 like histone lysine methyltransferase; minus strand). Cytogenetic location: 1q22.
Variant type: single nucleotide variant.
Coding change: c.5726A>C on transcript NM_018489.3 (MANE Select); coding-DNA position 5726, A replaced by C.
Protein change: p.Glu1909Ala; replaces glutamic acid 1909 with alanine.
Molecular consequence: missense variant.
Genome position (GRCh38, 1-based): chr1:155,438,429, T>G on the plus strand (A>C on the coding strand, the complement: ASH1L is on the minus strand). VCF-style: chr1-155438429-T-G. GRCh37 (hg19) VCF-style: chr1-155408220-T-G.
Other names: c.5726A>C, p.Glu1909Ala (NM_001366177.2); short protein forms E1909A.
Identifiers: ClinVar variation 4881758 (VCV004881758.2).